The following is an entry in ClinVar:

ClinVar aggregate classification (germline): Uncertain significance (1 of 4 stars; one submission).

Allele frequency attached by ClinVar (database versions not stated): gnomAD exomes below 0.00001; ExAC 0.00001; TOPMed 0.00001.
gnomAD v4.1: 4 of 1,613,938 alleles (0.00025%); highest among the groups gnomAD compares: East Asian, 0.0022%; no homozygotes.

Submission:

Labcorp Genetics (formerly Invitae), Labcorp
Classification: Uncertain significance. Last evaluated: 2021-08-26. Review status: criteria provided, single submitter. Criteria: Invitae Variant Classification Sherloc (09022015). Collection method: clinical testing. Allele origin: germline.
Comment: This sequence change replaces serine with leucine at codon 878 of the ABCA4 protein (p.Ser878Leu). The serine residue is highly conserved and there is a large physicochemical difference between serine and leucine. This variant is present in population databases (rs779160669, ExAC 0.006%). This missense change has been observed in individual(s) with Stargardt disease (Invitae). Algorithms developed to predict the effect of missense changes on protein structure and function (SIFT, PolyPhen-2, Align-GVGD) all suggest that this variant is likely to be disruptive. In summary, the available evidence is currently insufficient to determine the role of this variant in disease. Therefore, it has been classified as a Variant of Uncertain Significance.

NM_000350.3(ABCA4):c.2633C>T (p.Ser878Leu)

Gene: ABCA4 (ATP binding cassette subfamily A member 4; minus strand). Cytogenetic location: 1p22.1.
Variant type: single nucleotide variant.
Coding change: c.2633C>T on transcript NM_000350.3 (MANE Select); coding-DNA position 2633, C replaced by T.
Protein change: p.Ser878Leu; replaces serine 878 with leucine.
Molecular consequence: missense variant.
Genome position (GRCh38, 1-based): chr1:94,051,653, G>A on the plus strand (C>T on the coding strand, the complement: ABCA4 is on the minus strand). VCF-style: chr1-94051653-G-A. GRCh37 (hg19) VCF-style: chr1-94517209-G-A.
Other names: c.2411C>T, p.Ser804Leu (NM_001425324.1); short protein forms S878L, S804L.
Identifiers: ClinVar variation 1042343 (VCV001042343.6), dbSNP rs779160669, ClinGen allele CA958217.